The following is an entry in ClinVar:

ClinVar aggregate classification (germline): Uncertain significance. Review status: criteria provided, multiple submitters, no conflicts (2 of 4 stars). 2 submissions from 2 submitters: Uncertain significance (2). Last evaluated 2024-09-27.

Conditions:
Van Maldergem syndrome 1 (VMLDS1). Also called: Van Maldergem syndrome 1 (VMLDS1). Identifiers: Orphanet 314679, MedGen C4551950, MONDO:0011070, OMIM 601390.
Mitral valve prolapse, myxomatous 2. Also called: Mitral valve prolapse 2; MMVP2. Identifiers: MedGen C1843003, MONDO:0011915, OMIM 607829.

gnomAD v4.1: 19 of 1,593,166 alleles (0.0012%); highest among the groups gnomAD compares: South Asian, 0.0022%; no homozygotes.

Submissions (2):

Labcorp Genetics (formerly Invitae), Labcorp
Classification: Uncertain significance. Last evaluated: 2024-09-27. Review status: criteria provided, single submitter. Criteria: Invitae Variant Classification Sherloc (09022015). Collection method: clinical testing. Allele origin: germline.
Comment: This sequence change replaces arginine, which is basic and polar, with cysteine, which is neutral and slightly polar, at codon 820 of the DCHS1 protein (p.Arg820Cys). This variant is present in population databases (rs532679903, gnomAD 0.004%). This variant has not been reported in the literature in individuals affected with DCHS1-related conditions. An algorithm developed to predict the effect of missense changes on protein structure and function (PolyPhen-2) suggests that this variant is likely to be disruptive. In summary, the available evidence is currently insufficient to determine the role of this variant in disease. Therefore, it has been classified as a Variant of Uncertain Significance.

Fulgent Genetics
Classification: Uncertain significance for Van Maldergem syndrome 1; Mitral valve prolapse, myxomatous 2. Last evaluated: 2024-06-19. Review status: criteria provided, single submitter. Criteria: ACMG Guidelines, 2015. Collection method: clinical testing. Allele origin: germline.

NM_003737.4(DCHS1):c.2458C>T (p.Arg820Cys)

Gene: DCHS1 (dachsous cadherin-related 1; minus strand). Cytogenetic location: 11p15.4.
Variant type: single nucleotide variant.
Coding change: c.2458C>T on transcript NM_003737.4 (MANE Select); coding-DNA position 2458, C replaced by T.
Protein change: p.Arg820Cys; replaces arginine 820 with cysteine.
Molecular consequence: missense variant.
Genome position (GRCh38, 1-based): chr11:6,633,054, G>A on the plus strand (C>T on the coding strand, the complement: DCHS1 is on the minus strand). VCF-style: chr11-6633054-G-A. GRCh37 (hg19) VCF-style: chr11-6654285-G-A.
Other names: short protein forms R820C.
Identifiers: ClinVar variation 3600143 (VCV003600143.3).